The following is an entry in ClinVar:

NM_017415.3(KLHL3):c.518C>G (p.Ala173Gly)

Gene: KLHL3 (kelch like family member 3; minus strand). Cytogenetic location: 5q31.2.
Variant type: single nucleotide variant.
Coding change: c.518C>G on transcript NM_017415.3 (MANE Select); coding-DNA position 518, C replaced by G.
Protein change: p.Ala173Gly; replaces alanine 173 with glycine.
Molecular consequence: missense variant.
Genome position (GRCh38, 1-based): chr5:137,692,293, G>C on the plus strand (C>G on the coding strand, the complement: KLHL3 is on the minus strand). VCF-style: chr5-137692293-G-C. GRCh37 (hg19) VCF-style: chr5-137027982-G-C.
Other names: c.422C>G, p.Ala141Gly (NM_001257194.1); c.272C>G, p.Ala91Gly (NM_001257195.2); short protein forms A173G, A141G, A91G.
Identifiers: ClinVar variation 4738845 (VCV004738845.1).
Genomic context (GRCh38, chr5:137,692,293, plus strand): 5'-GTGATTAGATCCACAAACTCGGAGGAGGTGCAGCAGTCCGGCTCCCCCTTACCTGCGTAG[G>C]CATTGGCCTGCTGCAGAAGGTCAGTGCAGGTGTGTACATCTGCAAATGCACGGATGCCCA-3'
Protein context (NP_059111.2, residues 163-183): TCTDLLQQAN[Ala173Gly]YAEQHFPEVM

ClinVar aggregate classification (germline): Uncertain significance (1 of 4 stars; one submission).

Submission:

Labcorp Genetics (formerly Invitae), Labcorp
Classification: Uncertain significance. Last evaluated: 2025-04-29. Review status: criteria provided, single submitter. Criteria: Invitae Variant Classification Sherloc (09022015). Collection method: clinical testing. Allele origin: germline.
Comment: This sequence change replaces alanine, which is neutral and non-polar, with glycine, which is neutral and non-polar, at codon 173 of the KLHL3 protein (p.Ala173Gly). This variant is not present in population databases (gnomAD no frequency). This variant has not been reported in the literature in individuals affected with KLHL3-related conditions. Invitae Evidence Modeling of protein sequence and biophysical properties (such as structural, functional, and spatial information, amino acid conservation, physicochemical variation, residue mobility, and thermodynamic stability) indicates that this missense variant is not expected to disrupt KLHL3 protein function with a negative predictive value of 80%. In summary, the available evidence is currently insufficient to determine the role of this variant in disease. Therefore, it has been classified as a Variant of Uncertain Significance.